The following is an entry in ClinVar:

ClinVar aggregate classification (germline): Uncertain significance (1 of 4 stars; one submission).

Conditions:
Inborn genetic diseases. Identifiers: MedGen C0950123, MeSH D030342.

gnomAD v4.1: 1 of 1,613,816 alleles (0.000062%); no homozygotes.

Submission:

Ambry Genetics
Classification: Uncertain significance for Inborn genetic diseases. Last evaluated: 2024-12-25. Review status: criteria provided, single submitter. Criteria: Ambry Variant Classification Scheme 2023. Collection method: clinical testing. Allele origin: germline.
Comment: The p.R149S variant (also known as c.447G>C), located in coding exon 3 of the MBD4 gene, results from a G to C substitution at nucleotide position 447. The arginine at codon 149 is replaced by serine, an amino acid with dissimilar properties. This amino acid position is conserved. In addition, the in silico prediction for this alteration is inconclusive. Based on the available evidence, the clinical significance of this variant remains unclear.

NM_001276270.2(MBD4):c.447G>C (p.Arg149Ser)

Gene: MBD4 (methyl-CpG binding domain 4, DNA glycosylase; minus strand). Cytogenetic location: 3q21.3.
Variant type: single nucleotide variant.
Coding change: c.447G>C on transcript NM_001276270.2 (MANE Select); coding-DNA position 447, G replaced by C.
Protein change: p.Arg149Ser; replaces arginine 149 with serine.
Molecular consequence: missense variant. On other transcripts: intron variant (1).
Genome position (GRCh38, 1-based): chr3:129,437,197, C>G on the plus strand (G>C on the coding strand, the complement: MBD4 is on the minus strand). VCF-style: chr3-129437197-C-G. GRCh37 (hg19) VCF-style: chr3-129156040-C-G.
Other names: c.447G>C, p.Arg149Ser (NM_001276271.2, NM_001276272.2, NM_003925.3); c.247+611G>C (NM_001276273.2); short protein forms R149S.
Identifiers: ClinVar variation 3870874 (VCV003870874.1).
Genomic context (GRCh38, chr3:129,437,197, plus strand): 5'-GTTTTGTAGATGGGATGTCAGGGCTGCCATGCTGCAGTCTTTATATCTTGACTTGATACC[C>G]CTTTTAGAAAGTACAGTAAAATCAAAATCTTCTGGCTTAAGAGAAGTCTCTCCATTTTTG-3'
Protein context (NP_001263199.1, residues 139-159): EDFDFTVLSK[Arg149Ser]GIKSRYKDCS